The following is an entry in ClinVar:

NC_012920.1(MT-TR):m.10448T>C

Gene: MT-TR (mitochondrially encoded tRNA arginine; plus strand).
Variant type: single nucleotide variant.
Genome position: chrM-10448-T-C.
Identifiers: ClinVar variation 690121 (VCV000690121.1), dbSNP rs1603222836, ClinGen allele CA913163308.

ClinVar aggregate classification (germline): Likely benign (1 of 4 stars; one submission).

Conditions:
MELAS syndrome (MELAS). Also called: Juvenile myopathy, encephalopathy, lactic acidosis, stroke. Identifiers: Orphanet 550, MedGen C0162671, MONDO:0010789, OMIM 540000.

Submission:

Wong Mito Lab, Molecular and Human Genetics, Baylor College of Medicine
Classification: Likely benign for MELAS syndrome. Last evaluated: 2019-07-12. Review status: criteria provided, single submitter. Criteria: Modified ACMG Guidelines (Unpublished). Collection method: clinical testing. Allele origin: germline.
Comment: The NC_012920.1:m.10448T>C variant in MT-TR gene is interpreted to be a Likely Benign variant based on the modified ACMG guidelines (unpublished). This variant meets the following evidence codes reported in the guidelines: BS1, BP4, BP6

Literature cited by the submitters: PubMed 31965079.